The following is an entry in ClinVar:

NM_004525.3(LRP2):c.1471A>G (p.Ile491Val)

Gene: LRP2 (LDL receptor related protein 2; minus strand). Cytogenetic location: 2q31.1.
Variant type: single nucleotide variant.
Coding change: c.1471A>G on transcript NM_004525.3 (MANE Select); coding-DNA position 1471, A replaced by G.
Protein change: p.Ile491Val; replaces isoleucine 491 with valine.
Molecular consequence: missense variant.
Genome position (GRCh38, 1-based): chr2:169,279,466, T>C on the plus strand (A>G on the coding strand, the complement: LRP2 is on the minus strand). VCF-style: chr2-169279466-T-C. GRCh37 (hg19) VCF-style: chr2-170135976-T-C.
Other names: short protein forms I491V.
Identifiers: ClinVar variation 3708936 (VCV003708936.1).

ClinVar aggregate classification (germline): Uncertain significance (1 of 4 stars; one submission).

gnomAD v4.1: 4 of 1,614,048 alleles (0.00025%); highest among the groups gnomAD compares: Admixed American, 0.005%; no homozygotes.

Submission:

Labcorp Genetics (formerly Invitae), Labcorp
Classification: Uncertain significance. Last evaluated: 2024-05-01. Review status: criteria provided, single submitter. Criteria: Invitae Variant Classification Sherloc (09022015). Collection method: clinical testing. Allele origin: germline.
Comment: This sequence change replaces isoleucine, which is neutral and non-polar, with valine, which is neutral and non-polar, at codon 491 of the LRP2 protein (p.Ile491Val). This variant is present in population databases (rs781699794, gnomAD 0.009%). This variant has not been reported in the literature in individuals affected with LRP2-related conditions. Advanced modeling of protein sequence and biophysical properties (such as structural, functional, and spatial information, amino acid conservation, physicochemical variation, residue mobility, and thermodynamic stability) performed at Invitae indicates that this missense variant is not expected to disrupt LRP2 protein function with a negative predictive value of 80%. In summary, the available evidence is currently insufficient to determine the role of this variant in disease. Therefore, it has been classified as a Variant of Uncertain Significance.